The following is an entry in ClinVar:

NM_014391.3(ANKRD1):c.794A>T (p.Tyr265Phe)

Gene: ANKRD1 (ankyrin repeat domain 1; minus strand). Cytogenetic location: 10q23.31.
Variant type: single nucleotide variant.
Coding change: c.794A>T on transcript NM_014391.3 (MANE Select); coding-DNA position 794, A replaced by T.
Protein change: p.Tyr265Phe; replaces tyrosine 265 with phenylalanine.
Molecular consequence: missense variant.
Genome position (GRCh38, 1-based): chr10:90,915,598, T>A on the plus strand (A>T on the coding strand, the complement: ANKRD1 is on the minus strand). VCF-style: chr10-90915598-T-A. GRCh37 (hg19) VCF-style: chr10-92675355-T-A.
Other names: short protein forms Y265F.
Identifiers: ClinVar variation 1416626 (VCV001416626.8), dbSNP rs766909540, ClinGen allele CA377549700.

ClinVar aggregate classification (germline): Uncertain significance (1 of 4 stars; one submission).

Conditions:
ANKRD1-related dilated cardiomyopathy. Identifiers: MedGen CN119551.

Submission:

Labcorp Genetics (formerly Invitae), Labcorp
Classification: Uncertain significance for ANKRD1-related dilated cardiomyopathy. Last evaluated: 2021-07-16. Review status: criteria provided, single submitter. Criteria: Invitae Variant Classification Sherloc (09022015). Collection method: clinical testing. Allele origin: germline.
Comment: This sequence change replaces tyrosine with phenylalanine at codon 265 of the ANKRD1 protein (p.Tyr265Phe). The tyrosine residue is moderately conserved and there is a small physicochemical difference between tyrosine and phenylalanine. In summary, the available evidence is currently insufficient to determine the role of this variant in disease. Therefore, it has been classified as a Variant of Uncertain Significance. Algorithms developed to predict the effect of missense changes on protein structure and function are either unavailable or do not agree on the potential impact of this missense change (SIFT: "Tolerated"; PolyPhen-2: "Possibly Damaging"; Align-GVGD: "Class C0"). This variant has not been reported in the literature in individuals affected with ANKRD1-related conditions. This variant is not present in population databases (ExAC no frequency).